The following is an entry in ClinVar:

ClinVar aggregate classification (germline): Uncertain significance. Review status: criteria provided, multiple submitters, no conflicts (2 of 4 stars). 3 submissions from 3 submitters: Uncertain significance (3). Last evaluated 2024-08-06.

Conditions:
Microcephaly 22, primary, autosomal recessive. Identifiers: MedGen C4693834, MONDO:0054805, OMIM 617984.

Allele frequency attached by ClinVar (database versions not stated): gnomAD exomes 0.00006 and 0.00012; ExAC 0.00012; 1000 Genomes Project 30x 0.00016; 1000 Genomes Project 0.00020; gnomAD 0.00035 and 0.00039; ESP Exome Variant Server 0.00038; TOPMed 0.00048.
gnomAD v4.1: 134 of 1,613,284 alleles (0.0083%); highest among the groups gnomAD compares: African/African-American, 0.17%; no homozygotes.

Submissions (3):

Blueprint Genetics
Classification: Uncertain significance. Last evaluated: 2024-08-06. Review status: criteria provided, single submitter. Criteria: ACMG Guidelines, 2015. Collection method: clinical testing. Allele origin: germline.

Ambry Genetics
Classification: Uncertain significance. Last evaluated: 2021-10-27. Review status: criteria provided, single submitter. Criteria: Ambry Variant Classification Scheme 2023. Collection method: clinical testing. Allele origin: germline.

Baylor Genetics
Classification: Uncertain significance for Microcephaly 22, primary, autosomal recessive. Last evaluated: 2019-09-11. Review status: criteria provided, single submitter. Criteria: ACMG Guidelines, 2015. Collection method: clinical testing. Allele origin: unknown. Affected: yes.
Comment: This variant was determined to be of uncertain significance according to ACMG Guidelines, 2015 [PMID:25741868].

NM_015261.3(NCAPD3):c.1000G>A (p.Ala334Thr)

Gene: NCAPD3 (non-SMC condensin II complex subunit D3; minus strand). Cytogenetic location: 11q25.
Variant type: single nucleotide variant.
Coding change: c.1000G>A on transcript NM_015261.3 (MANE Select); coding-DNA position 1000, G replaced by A.
Protein change: p.Ala334Thr; replaces alanine 334 with threonine.
Molecular consequence: missense variant.
Genome position (GRCh38, 1-based): chr11:134,206,615, C>T on the plus strand (G>A on the coding strand, the complement: NCAPD3 is on the minus strand). VCF-style: chr11-134206615-C-T. GRCh37 (hg19) VCF-style: chr11-134076510-C-T.
Other names: c.1000G>A, p.Ala334Thr (NM_001372065.1, NM_001372068.1); c.586G>A, p.Ala196Thr (NM_001372069.1, NM_001372070.1); short protein forms A334T, A196T.
Identifiers: ClinVar variation 1029372 (VCV001029372.5), dbSNP rs140427183, ClinGen allele CA6371830.
Genomic context (GRCh38, chr11:134,206,615, plus strand): 5'-GAGGGAGACTGACAGGGTGAAAATTCACGATTTGTGTGCTTCACCTGATAAACTGGACCG[C>T]CTGGTTTCTACAGTTGATGACTTGGGAGGTAACAGCAAGGGGGGCACGATGGGATCCTTC-3'
Protein context (NP_056076.1, residues 324-344): TSQVINCRNQ[Ala334Thr]VQFISALVDE